The following is an entry in ClinVar:

NM_001374353.1(GLI2):c.2768G>T (p.Gly923Val)

Gene: GLI2 (GLI family zinc finger 2; plus strand). Cytogenetic location: 2q14.2.
Variant type: single nucleotide variant.
Coding change: c.2768G>T on transcript NM_001374353.1 (MANE Select); coding-DNA position 2768, G replaced by T.
Protein change: p.Gly923Val; replaces glycine 923 with valine.
Molecular consequence: missense variant.
Genome position (GRCh38, 1-based): chr2:120,988,733, G>T. VCF-style: chr2-120988733-G-T. GRCh37 (hg19) VCF-style: chr2-121746309-G-T.
Other names: c.2819G>T, p.Gly940Val (NM_001371271.1, NM_005270.5); c.2393G>T, p.Gly798Val (NM_001374354.1); short protein forms G798V, G923V, G940V.
Identifiers: ClinVar variation 4783252 (VCV004783252.1).
Genomic context (GRCh38, chr2:120,988,733, plus strand): 5'-TGGACGCGCCCGAGCGCACGCTGCCCGCCGGCTGCCCACGCCCACTGGGGCCGCGGCGTG[G>T]CAGCGACGGGCCGACCTATGGCCACGGCCACGCGGGGGCTGCGCCCGCCTTCCCCCACGA-3'
Protein context (NP_001361282.1, residues 913-933): GCPRPLGPRR[Gly923Val]SDGPTYGHGH

ClinVar aggregate classification (germline): Uncertain significance (1 of 4 stars; one submission).

Conditions:
Holoprosencephaly 9 (HPE9). Also called: HOLOPROSENCEPHALY WITH MICROPHTHALMIA AND FIRST BRANCHIAL ARCH ANOMALIES; PITUITARY ANOMALIES WITH HOLOPROSENCEPHALY-LIKE FEATURES. Identifiers: Orphanet 2162, MedGen C1835819, MONDO:0012563, OMIM 610829.
Postaxial polydactyly-anterior pituitary anomalies-facial dysmorphism syndrome. Also called: Culler-Jones syndrome. Identifiers: Orphanet 420584, MedGen C4014479, MONDO:0014369, OMIM 615849.

gnomAD v4.1: 1 of 1,195,690 alleles (0.000084%); highest among the groups gnomAD compares: South Asian, 0.0026%; no homozygotes.

Submission:

Labcorp Genetics (formerly Invitae), Labcorp
Classification: Uncertain significance for Postaxial polydactyly-anterior pituitary anomalies-facial dysmorphism syndrome; Holoprosencephaly 9. Last evaluated: 2025-12-27. Review status: criteria provided, single submitter. Criteria: Invitae Variant Classification Sherloc (09022015). Collection method: clinical testing. Allele origin: germline.
Comment: This sequence change replaces glycine, which is neutral and non-polar, with valine, which is neutral and non-polar, at codon 940 of the GLI2 protein (p.Gly940Val). This variant is not present in population databases (gnomAD no frequency). This variant has not been reported in the literature in individuals affected with GLI2-related conditions. Invitae Evidence Modeling of protein sequence and biophysical properties (such as structural, functional, and spatial information, amino acid conservation, physicochemical variation, residue mobility, and thermodynamic stability) indicates that this missense variant is expected to disrupt GLI2 protein function with a positive predictive value of 80%. In summary, the available evidence is currently insufficient to determine the role of this variant in disease. Therefore, it has been classified as a Variant of Uncertain Significance.